The following is an entry in ClinVar:

ClinVar aggregate classification (germline): Likely pathogenic (1 of 4 stars; one submission).

Conditions:
Multiple mitochondrial dysfunctions syndrome 3 (MMDS3). Identifiers: Orphanet 363424, MedGen C3809165, MONDO:0014132, OMIM 615330.

Submission:

3billion
Classification: Likely pathogenic for Multiple mitochondrial dysfunctions syndrome 3. Last evaluated: 2025-05-20. Review status: criteria provided, single submitter. Criteria: ACMG Guidelines, 2015. Collection method: clinical testing. Allele origin: germline. Affected: yes.
Comment: The variant is not observed in the gnomAD v4.1.0 dataset. Predicted Consequence/Location: Frameshift: predicted to result in a loss or disruption of normal protein function through nonsense-mediated decay (NMD) or protein truncation. Multiple pathogenic variants are reported downstream of the variant. Therefore, this variant is classified as Likely pathogenic according to the recommendation of ACMG/AMP guideline.

NM_001010867.4(IBA57):c.17_29dup (p.Thr11fs)

Gene: IBA57 (iron-sulfur cluster assembly factor IBA57; plus strand). Cytogenetic location: 1q42.13.
Variant type: Duplication.
Coding change: c.17_29dup on transcript NM_001010867.4 (MANE Select); coding-DNA positions 17 to 29, 13 bases duplicated (TGCTTCGAGGCGC).
Protein change: p.Thr11fs; shifts the reading frame from threonine 11.
Molecular consequence: frameshift variant.
Genome position (GRCh38, 1-based): chr1:228,165,833-228,165,845, TGCTTCGAGGCGC duplicated; duplicating any 13 consecutive bases within chr1:228,165,828-228,165,845 gives the same sequence; the c. name uses the placement nearest the transcript's 3' end. VCF-style (leftmost placement, unchanged base first): chr1-228165827-C-CGGCGCTGCTTCGA. GRCh37 (hg19) VCF-style: chr1-228353528-C-CGGCGCTGCTTCGA.
Other names: short protein forms T11fs.
Identifiers: ClinVar variation 4856350 (VCV004856350.1).
Genomic context (GRCh38, chr1:228,165,827, plus strand): 5'-CGCCCCTCCCGCTTCCTTGGGCCCTTCCCGCTGCCCCACTCTTGTCCAAGATGGCGACCG[C>CGGCGCTGCTTCGA]GGCGCTGCTTCGAGGCGCCACTCCGGGGCGCGGCGGCCCGGTCTGGCGCTGGCGGCTGCG-3'